The following is an entry in ClinVar:

NM_005591.4(MRE11):c.563G>A (p.Arg188Lys)

Gene: MRE11 (MRE11 double strand break repair nuclease; minus strand). Cytogenetic location: 11q21.
Variant type: single nucleotide variant.
Coding change: c.563G>A on transcript NM_005591.4 (MANE Select); coding-DNA position 563, G replaced by A.
Protein change: p.Arg188Lys; replaces arginine 188 with lysine.
Molecular consequence: missense variant.
Genome position (GRCh38, 1-based): chr11:94,476,385, C>T on the plus strand (G>A on the coding strand, the complement: MRE11 is on the minus strand). VCF-style: chr11-94476385-C-T. GRCh37 (hg19) VCF-style: chr11-94209551-C-T.
Other names: c.563G>A, p.Arg188Lys (NM_001330347.2, NM_005590.4); short protein forms R188K.
Identifiers: ClinVar variation 1800433 (VCV001800433.3), dbSNP rs1946857036, ClinGen allele CA382376991.

ClinVar aggregate classification (germline): Uncertain significance (1 of 4 stars; one submission).

Conditions:
Hereditary cancer-predisposing syndrome. Also called: Neoplastic Syndromes, Hereditary; Tumor predisposition; Hereditary Cancer Syndrome; Hereditary neoplastic syndrome. Identifiers: Orphanet 140162, MedGen C0027672, MeSH D009386, MONDO:0015356.

Submission:

Ambry Genetics
Classification: Uncertain significance for Hereditary cancer-predisposing syndrome. Last evaluated: 2025-04-19. Review status: criteria provided, single submitter. Criteria: Ambry Variant Classification Scheme 2023. Collection method: clinical testing. Allele origin: germline.
Comment: The p.R188K variant (also known as c.563G>A), located in coding exon 6 of the MRE11A gene, results from a G to A substitution at nucleotide position 563. The arginine at codon 188 is replaced by lysine, an amino acid with highly similar properties. This amino acid position is highly conserved in available vertebrate species. In addition, this alteration is predicted to be deleterious by in silico analysis. Since supporting evidence is limited at this time, the clinical significance of this alteration remains unclear.